The following is an entry in ClinVar:

NM_198253.3(TERT):c.2777G>C (p.Gly926Ala)

Gene: TERT (telomerase reverse transcriptase; minus strand). Cytogenetic location: 5p15.33.
Variant type: single nucleotide variant.
Coding change: c.2777G>C on transcript NM_198253.3 (MANE Select); coding-DNA position 2777, G replaced by C.
Protein change: p.Gly926Ala; replaces glycine 926 with alanine.
Molecular consequence: missense variant. On other transcripts: intron variant (1).
Genome position (GRCh38, 1-based): chr5:1,264,470, C>G on the plus strand (G>C on the coding strand, the complement: TERT is on the minus strand). VCF-style: chr5-1264470-C-G. GRCh37 (hg19) VCF-style: chr5-1264585-C-G.
Other names: c.2777G>C, p.Gly926Ala (NM_003219.1); c.2654+1994G>C (NM_001193376.3); short protein forms G926A.
Identifiers: ClinVar variation 2122340 (VCV002122340.5), dbSNP rs2478153063, ClinGen allele CA359071697.
Genomic context (GRCh38, chr5:1,264,470, plus strand): 5'-TAGTCGCTCTGCACCTCCAGGGTCCGGGTATCCAGCAGCAGGCCGCACCAGGGGAATAGG[C>G]CGTGGGCCGGCATCTGAACAAAAGCCGTGCCACCCAGGGCCTCGTCTTCTACAGGGAAGT-3'
Protein context (NP_937983.2, residues 916-936): GTAFVQMPAH[Gly926Ala]LFPWCGLLLD

ClinVar aggregate classification (germline): Uncertain significance. Review status: criteria provided, multiple submitters, no conflicts (2 of 4 stars). 2 submissions from 2 submitters: Uncertain significance (2). Last evaluated 2025-01-13.

Conditions:
Idiopathic Pulmonary Fibrosis. Also called: Idiopathic fibrosing alveolitis, chronic form; idiopathic fibrosing alveolitis. Identifiers: Orphanet 2032, MedGen C1800706, MeSH D054990, MONDO:0800504.
Dyskeratosis congenita, autosomal dominant 2. Identifiers: MedGen C3151443, MONDO:0013521, OMIM 613989.
Dyskeratosis congenita. Identifiers: Orphanet 1775, MedGen C0265965, MONDO:0015780.

Submissions (2):

Ambry Genetics
Classification: Uncertain significance for Dyskeratosis congenita. Last evaluated: 2025-01-13. Review status: criteria provided, single submitter. Criteria: Ambry Variant Classification Scheme 2023. Collection method: clinical testing. Allele origin: germline.
Comment: The p.G926A variant (also known as c.2777G>C), located in coding exon 11 of the TERT gene, results from a G to C substitution at nucleotide position 2777. The glycine at codon 926 is replaced by alanine, an amino acid with similar properties. This amino acid position is conserved. In addition, the in silico prediction for this alteration is inconclusive. Based on the available evidence, the clinical significance of this variant remains unclear.

Labcorp Genetics (formerly Invitae), Labcorp
Classification: Uncertain significance for Dyskeratosis congenita, autosomal dominant 2; Idiopathic Pulmonary Fibrosis. Last evaluated: 2022-04-07. Review status: criteria provided, single submitter. Criteria: Invitae Variant Classification Sherloc (09022015). Collection method: clinical testing. Allele origin: germline.
Comment: This variant is not present in population databases (gnomAD no frequency). In summary, the available evidence is currently insufficient to determine the role of this variant in disease. Therefore, it has been classified as a Variant of Uncertain Significance. Advanced modeling of protein sequence and biophysical properties (such as structural, functional, and spatial information, amino acid conservation, physicochemical variation, residue mobility, and thermodynamic stability) performed at Invitae indicates that this missense variant is expected to disrupt TERT protein function. This variant has not been reported in the literature in individuals affected with TERT-related conditions. This sequence change replaces glycine, which is neutral and non-polar, with alanine, which is neutral and non-polar, at codon 926 of the TERT protein (p.Gly926Ala).